The following is an entry in ClinVar:

ClinVar aggregate classification (germline): Uncertain significance (1 of 4 stars; one submission).

Conditions:
Dihydropteridine reductase deficiency (HPABH4C). Also called: BH4-Deficient Hyperphenylalaninemia C; HYPERPHENYLALANINEMIA, TETRAHYDROBIOPTERIN-DEFICIENT, DUE TO DHPR DEFICIENCY; QDPR DEFICIENCY; QUINOID DIHYDROPTERIDINE REDUCTASE DEFICIENCY; Phenylketonuria II; Hyperphenylalaninemia due to dihydropteridine reductase deficiency. Identifiers: Orphanet 226, Orphanet 238583, MedGen C0268465, MONDO:0009862, OMIM 261630.

Allele frequency attached by ClinVar (database versions not stated): gnomAD 0.00001; TOPMed 0.00001; gnomAD exomes below 0.00001.
gnomAD v4.1: 4 of 1,613,974 alleles (0.00025%); highest among the groups gnomAD compares: Non-Finnish European, 0.00034%; no homozygotes.

Submission:

Labcorp Genetics (formerly Invitae), Labcorp
Classification: Uncertain significance for Dihydropteridine reductase deficiency. Last evaluated: 2022-08-16. Review status: criteria provided, single submitter. Criteria: Invitae Variant Classification Sherloc (09022015). Collection method: clinical testing. Allele origin: germline.
Comment: This sequence change replaces aspartic acid, which is acidic and polar, with asparagine, which is neutral and polar, at codon 58 of the QDPR protein (p.Asp58Asn). This variant is present in population databases (no rsID available, gnomAD 0.0009%). This variant has not been reported in the literature in individuals affected with QDPR-related conditions. ClinVar contains an entry for this variant (Variation ID: 1515809). Algorithms developed to predict the effect of missense changes on protein structure and function are either unavailable or do not agree on the potential impact of this missense change (SIFT: "Tolerated"; PolyPhen-2: "Possibly Damaging"; Align-GVGD: "Class C0"). In summary, the available evidence is currently insufficient to determine the role of this variant in disease. Therefore, it has been classified as a Variant of Uncertain Significance.

NM_000320.3(QDPR):c.172G>A (p.Asp58Asn)

Gene: QDPR (quinoid dihydropteridine reductase; minus strand). Cytogenetic location: 4p15.32.
Variant type: single nucleotide variant.
Coding change: c.172G>A on transcript NM_000320.3 (MANE Select); coding-DNA position 172, G replaced by A.
Protein change: p.Asp58Asn; replaces aspartic acid 58 with asparagine.
Molecular consequence: missense variant. On other transcripts: non-coding transcript variant (1), intron variant (1).
Genome position (GRCh38, 1-based): chr4:17,509,297, C>T on the plus strand (G>A on the coding strand, the complement: QDPR is on the minus strand). VCF-style: chr4-17509297-C-T. GRCh37 (hg19) VCF-style: chr4-17510920-C-T.
Other names: c.105+2653G>A (NM_001306140.2); short protein forms D58N.
Identifiers: ClinVar variation 1515809 (VCV001515809.5), dbSNP rs1172704301, ClinGen allele CA356453007.